The following is an entry in ClinVar:

ClinVar aggregate classification (germline): Uncertain significance. Review status: criteria provided, multiple submitters, no conflicts (2 of 4 stars). 2 submissions from 2 submitters: Uncertain significance (2). Last evaluated 2022-08-24.

Conditions:
Renal cysts and diabetes syndrome (RCAD). Also called: Familial hypoplastic, glomerulocystic kidney; MATURITY-ONSET DIABETES OF THE YOUNG, TYPE 5. Identifiers: Orphanet 93111, MedGen C0431693, MONDO:0007669, OMIM 137920.

Allele frequency attached by ClinVar (database versions not stated): gnomAD exomes below 0.00001; ExAC 0.00001.
gnomAD v4.1: 2 of 1,614,074 alleles (0.00012%); highest among the groups gnomAD compares: Non-Finnish European, 0.00017%; no homozygotes.

Submissions (2):

Revvity Omics, Revvity
Classification: Uncertain significance. Last evaluated: 2022-08-24. Review status: criteria provided, single submitter. Criteria: ACMG Guidelines, 2015. Collection method: clinical testing. Allele origin: germline.

Institute of Human Genetics, FAU Erlangen, Friedrich-Alexander-Universität Erlangen-Nürnberg
Classification: Uncertain significance for Renal cysts and diabetes syndrome. Last evaluated: 2019-07-06. Review status: criteria provided, single submitter. Criteria: ACMG Guidelines, 2015. Collection method: literature only. Allele origin: germline. Affected: yes.
Comment: This variant and it's classification has been reported by Vasileiou et al. 2019; DOI:10.1101/576918. The variants has previously been reported in PMID:24897035 as "c.1610 c>A p.Thr537Asn" with clinical significance Pathogenic. It has been re-classified using InterVar and manual curation as Uncertain significance based on PM1 PP3 PP5.

Literature cited by the submitters: PubMed 24897035 (cited by Institute of Human Genetics, FAU Erlangen, Friedrich-Alexander-Universität Erlangen-Nürnberg); DOI 10.1101/576918 (cited by Institute of Human Genetics, FAU Erlangen, Friedrich-Alexander-Universität Erlangen-Nürnberg).

NM_000458.4(HNF1B):c.1610C>A (p.Thr537Asn)

Gene: HNF1B (HNF1 homeobox B; minus strand). Cytogenetic location: 17q12.
Variant type: single nucleotide variant.
Coding change: c.1610C>A on transcript NM_000458.4 (MANE Select); coding-DNA position 1610, C replaced by A.
Protein change: p.Thr537Asn; replaces threonine 537 with asparagine.
Molecular consequence: missense variant. On other transcripts: intron variant (1).
Genome position (GRCh38, 1-based): chr17:37,699,119, G>T on the plus strand (C>A on the coding strand, the complement: HNF1B is on the minus strand). VCF-style: chr17-37699119-G-T. GRCh37 (hg19) VCF-style: chr17-36059125-G-T.
Other names: c.1532C>A, p.Thr511Asn (NM_001165923.4); c.1261+5798C>A (NM_001304286.2); short protein forms T537N, T511N.
Identifiers: ClinVar variation 635576 (VCV000635576.4), dbSNP rs753796007, ClinGen allele CA8518788.